The following is an entry in ClinVar:

NM_003036.4(SKI):c.1070G>A (p.Arg357Gln)

Gene: SKI (SKI proto-oncogene; plus strand). Cytogenetic location: 1p36.32.
Variant type: single nucleotide variant.
Coding change: c.1070G>A on transcript NM_003036.4 (MANE Select); coding-DNA position 1070, G replaced by A.
Protein change: p.Arg357Gln; replaces arginine 357 with glutamine.
Molecular consequence: missense variant.
Genome position (GRCh38, 1-based): chr1:2,303,078, G>A. VCF-style: chr1-2303078-G-A. GRCh37 (hg19) VCF-style: chr1-2234517-G-A.
Other names: p.R357Q:CGG>CAG; short protein forms R357Q.
Identifiers: ClinVar variation 213689 (VCV000213689.15), dbSNP rs200874294, ClinGen allele CA320075.

ClinVar aggregate classification (germline): Conflicting classifications of pathogenicity. Review status: criteria provided, conflicting classifications (1 of 4 stars). 7 submissions from 7 submitters: Uncertain significance (5); Likely benign (2). Last evaluated 2026-07-08.

Conditions:
SKI-related disorder. Also called: SKI-related condition.
Familial thoracic aortic aneurysm and aortic dissection (TAAD). Also called: Thoracic aortic aneurysms and dissections. Identifiers: Orphanet 91387, MedGen C4707243, MONDO:0019625.
Shprintzen-Goldberg syndrome (SGS). Also called: Marfanoid disorder with craniosynostosis type 1; Marfanoid craniosynostosis syndrome; Shprintzen-Goldberg marfanoid syndrome; SHPRINTZEN-GOLDBERG CRANIOSYNOSTOSIS SYNDROME; CRANIOSYNOSTOSIS WITH ARACHNODACTYLY AND ABDOMINAL HERNIAS. Identifiers: Orphanet 2462, MedGen C1321551, MONDO:0008426, OMIM 182212.

Allele frequency attached by ClinVar (database versions not stated): gnomAD 0.00001; ExAC 0.00002; gnomAD exomes 0.00002 and 0.00007; TOPMed 0.00002; ESP Exome Variant Server 0.00008.
gnomAD v4.1: 99 of 1,613,418 alleles (0.0061%); highest among the groups gnomAD compares: Middle Eastern, 0.016%; no homozygotes.

Submissions (7):

GeneDx
Classification: Uncertain significance. Last evaluated: 2026-07-08. Review status: criteria provided, single submitter. Criteria: GeneDx Variant Classification Process June 2021. Collection method: clinical testing. Allele origin: germline.
Comment: Identified in a patient with developmental delay, intellectual disability, and features of a connective tissue disorder who harbored additional genetic variants (PMID: 28252636); Not observed at significant frequency in large population cohorts (gnomAD); In silico analysis suggests that this missense variant does not alter protein structure/function; This variant is associated with the following publications: (PMID: 28252636)

Labcorp Genetics (formerly Invitae), Labcorp
Classification: Likely benign for Shprintzen-Goldberg syndrome. Last evaluated: 2026-01-06. Review status: criteria provided, single submitter. Criteria: Invitae Variant Classification Sherloc (09022015). Collection method: clinical testing. Allele origin: germline.

ARUP Laboratories, Molecular Genetics and Genomics, ARUP Laboratories
Classification: Uncertain significance for Shprintzen-Goldberg syndrome. Last evaluated: 2025-03-20. Review status: criteria provided, single submitter. Criteria: ARUP Molecular Germline Variant Investigation Process 2024. Collection method: clinical testing. Allele origin: germline.
Comment: The SKI c.1070G>A; p.Arg357Gln variant (rs200874294, ClinVar Variation ID: 213689) is reported in the literature in an individual affected with global developmental delay, hypotonia, and other congenital anomalies (Baldridge 2017). This variant is found in the general population with an overall allele frequency of 0.002% (5/251,076 alleles) in the Genome Aggregation Database (v2.1.1). Computational analyses are uncertain whether this variant is neutral or deleterious (REVEL: 0.246). Due to limited information, the clinical significance of this variant is uncertain at this time. References: Baldridge D et al. The Exome Clinic and the role of medical genetics expertise in the interpretation of exome sequencing results. Genet Med. 2017 Sep;19(9):1040-1048. PMID: 28252636.

PreventionGenetics, part of Exact Sciences
Classification: Uncertain significance for SKI-related condition. Last evaluated: 2025-01-28. Review status: criteria provided, single submitter. Criteria: ACMG Guidelines, 2015. Collection method: clinical testing. Allele origin: germline.
Comment: The SKI c.1070G>A variant is predicted to result in the amino acid substitution p.Arg357Gln. To our knowledge, this variant has not been reported in the literature. This variant is reported in 0.0035% of alleles in individuals of European (Non-Finnish) descent in gnomAD. At this time, the clinical significance of this variant is uncertain due to the absence of conclusive functional and genetic evidence.

Ambry Genetics
Classification: Uncertain significance for Familial thoracic aortic aneurysm and aortic dissection. Last evaluated: 2023-06-27. Review status: criteria provided, single submitter. Criteria: Ambry Variant Classification Scheme 2023. Collection method: clinical testing. Allele origin: germline.
Comment: The p.R357Q variant (also known as c.1070G>A), located in coding exon 2 of the SKI gene, results from a G to A substitution at nucleotide position 1070. The arginine at codon 357 is replaced by glutamine, an amino acid with highly similar properties. This alteration has been reported in a whole exome sequencing cohort in an individual with developmental delays and multiple congenital anomalies (Baldridge D et al. Genet Med, 2017 Sep;19:1040-1048). This amino acid position is well conserved in available vertebrate species. In addition, the in silico prediction for this alteration is inconclusive. Since supporting evidence is limited at this time, the clinical significance of this alteration remains unclear.

Blueprint Genetics
Classification: Likely benign. Last evaluated: 2022-09-20. Review status: criteria provided, single submitter. Criteria: ACMG Guidelines, 2015. Collection method: clinical testing. Allele origin: germline.

Fulgent Genetics
Classification: Uncertain significance for Shprintzen-Goldberg syndrome. Last evaluated: 2018-10-31. Review status: criteria provided, single submitter. Criteria: ACMG Guidelines, 2015. Collection method: clinical testing. Allele origin: unknown.

Literature cited by the submitters: PubMed 28252636 (cited by Ambry Genetics).